The following is an entry in ClinVar:

NM_000038.6(APC):c.2501C>T (p.Ser834Phe)

Gene: APC (APC regulator of Wnt signaling pathway; plus strand). Cytogenetic location: 5q22.2.
Variant type: single nucleotide variant.
Coding change: c.2501C>T on transcript NM_000038.6 (MANE Select); coding-DNA position 2501, C replaced by T.
Protein change: p.Ser834Phe; replaces serine 834 with phenylalanine.
Molecular consequence: missense variant.
Genome position (GRCh38, 1-based): chr5:112,838,095, C>T. VCF-style: chr5-112838095-C-T. GRCh37 (hg19) VCF-style: chr5-112173792-C-T.
Other names: c.2501C>T, p.Ser834Phe (NM_001127510.3, NM_001354895.2); c.2447C>T, p.Ser816Phe (NM_001127511.3); c.2555C>T, p.Ser852Phe (NM_001354896.2); c.2531C>T, p.Ser844Phe (NM_001354897.2); c.2426C>T, p.Ser809Phe (NM_001354898.2); c.2417C>T, p.Ser806Phe (NM_001354899.2); c.2378C>T, p.Ser793Phe (NM_001354900.2); c.2324C>T, p.Ser775Phe (NM_001354901.2); and 5 more; short protein forms S806F, S816F, S551F, S674F, S708F, S809F, S834F, S852F.
Identifiers: ClinVar variation 652512 (VCV000652512.14), dbSNP rs1580623138, ClinGen allele CA16026820.

ClinVar aggregate classification (germline): Uncertain significance. Review status: criteria provided, multiple submitters, no conflicts (2 of 4 stars). 3 submissions from 3 submitters: Uncertain significance (3). Last evaluated 2024-12-03.

Conditions:
Classic or attenuated familial adenomatous polyposis. Identifiers: MedGen CN372698, MONDO:0021057.
Familial adenomatous polyposis 1 (FAP1). Also called: POLYPOSIS, ADENOMATOUS INTESTINAL; FAMILIAL ADENOMATOUS POLYPOSIS 1, ATTENUATED. Identifiers: MedGen C2713442, MONDO:0021056, OMIM 175100. Disease mechanism: loss of function.
Hereditary cancer-predisposing syndrome. Also called: Neoplastic Syndromes, Hereditary; Tumor predisposition; Hereditary Cancer Syndrome; Hereditary neoplastic syndrome. Identifiers: Orphanet 140162, MedGen C0027672, MeSH D009386, MONDO:0015356.

Allele frequency attached by ClinVar (database versions not stated): gnomAD exomes below 0.00001.

Submissions (3):

Ambry Genetics
Classification: Uncertain significance for Hereditary cancer-predisposing syndrome. Last evaluated: 2024-12-03. Review status: criteria provided, single submitter. Criteria: Ambry Variant Classification Scheme 2023. Collection method: clinical testing. Allele origin: germline.
Comment: The p.S834F variant (also known as c.2501C>T), located in coding exon 15 of the APC gene, results from a C to T substitution at nucleotide position 2501. The serine at codon 834 is replaced by phenylalanine, an amino acid with highly dissimilar properties. This amino acid position is highly conserved in available vertebrate species. In addition, in silico predictors for this gene do not accurately predict pathogenicity. Missense alterations in APC are not a common cause of disease (Spier I et al. Genet Med. 2024 Feb;26(2):100992). Based on the available evidence, the clinical significance of this variant remains unclear.

Labcorp Genetics (formerly Invitae), Labcorp
Classification: Uncertain significance for Familial adenomatous polyposis 1. Last evaluated: 2024-02-23. Review status: criteria provided, single submitter. Criteria: Invitae Variant Classification Sherloc (09022015). Collection method: clinical testing. Allele origin: germline.
Comment: This sequence change replaces serine, which is neutral and polar, with phenylalanine, which is neutral and non-polar, at codon 834 of the APC protein (p.Ser834Phe). This variant is not present in population databases (gnomAD no frequency). This variant has not been reported in the literature in individuals affected with APC-related conditions. ClinVar contains an entry for this variant (Variation ID: 652512). Advanced modeling of protein sequence and biophysical properties (such as structural, functional, and spatial information, amino acid conservation, physicochemical variation, residue mobility, and thermodynamic stability) performed at Invitae indicates that this missense variant is not expected to disrupt APC protein function with a negative predictive value of 95%. In summary, the available evidence is currently insufficient to determine the role of this variant in disease. Therefore, it has been classified as a Variant of Uncertain Significance.

All of Us Research Program, National Institutes of Health
Classification: Uncertain significance for Classic or attenuated familial adenomatous polyposis. Last evaluated: 2023-12-18. Review status: criteria provided, single submitter. Criteria: ACMG Guidelines, 2015. Collection method: clinical testing. Allele origin: germline. Inheritance: Autosomal dominant inheritance. Observed: 1 variant allele, 1 heterozygote.
Comment: This missense variant replaces serine with phenylalanine at codon 834 of the APC protein. Computational prediction suggests that this variant may not impact protein structure and function (internally defined REVEL score threshold <= 0.5, PMID: 27666373). To our knowledge, functional studies have not been reported for this variant. This variant has not been reported in individuals affected with APC-related disorders in the literature. This variant has not been identified in the general population by the Genome Aggregation Database (gnomAD). The available evidence is insufficient to determine the role of this variant in disease conclusively. Therefore, this variant is classified as a Variant of Uncertain Significance.

This study involves interpretation of variants in research participants for the purpose of population health screening. Participant phenotype was not available at the time of variant classification. Additional details can be found in publication PMID: 35346344, PMCID: PMC8962531